The following is an entry in ClinVar:

ClinVar aggregate classification (germline): Likely benign (0 of 4 stars; one submission).

Conditions:
BDNF-related disorder. Also called: BDNF-related condition.

Allele frequency attached by ClinVar (database versions not stated): gnomAD 0.00002; TOPMed 0.00002.
gnomAD v4.1: 41 of 1,606,432 alleles (0.0026%); highest among the groups gnomAD compares: Non-Finnish European, 0.0032%; no homozygotes.

Submission:

PreventionGenetics, part of Exact Sciences
Classification: Likely benign for BDNF-related condition. Last evaluated: 2021-10-06. Review status: no assertion criteria provided. Collection method: clinical testing. Allele origin: germline.
Comment: This variant is classified as likely benign based on ACMG/AMP sequence variant interpretation guidelines (Richards et al. 2015 PMID: 25741868, with internal and published modifications).

NM_001709.5(BDNF):c.-21-15610G>A

Genes: BDNF (brain derived neurotrophic factor; minus strand), BDNF-AS (BDNF antisense RNA; plus strand). Cytogenetic location: 11p14.1.
Variant type: single nucleotide variant.
Coding change: c.-21-15610G>A on transcript NM_001709.5 (MANE Select); 15610 bases into the intron before 21 bases upstream of the start codon, G replaced by A.
Molecular consequence: intron variant. On other transcripts: synonymous variant (1), 5 prime UTR variant (1).
Genome position (GRCh38, 1-based): chr11:27,674,195, C>T on the plus strand (G>A on the coding strand, the complement: BDNF is on the minus strand). VCF-style: chr11-27674195-C-T. GRCh37 (hg19) VCF-style: chr11-27695742-C-T.
Other names: c.90G>A, p.Gln30= (NM_001143810.2); c.-274G>A (NM_001143811.2); c.4-15610G>A (NM_170731.5); c.-21-15610G>A (NM_001143805.1, NM_001143806.1, NM_170732.4 and 5 more transcripts); c.67-15610G>A (NM_001143809.2); c.-128-15269G>A (NM_001143814.2); c.25-15610G>A (NM_170734.4).
Identifiers: ClinVar variation 3046400 (VCV003046400.2), dbSNP rs773531757, ClinGen allele CA219853824.
Genomic context (GRCh38, chr11:27,674,195, plus strand): 5'-CTGGGATGCACAGTCATGCCATACAGAAGCGTGTGGGTAGACGCCAAAACATGTGTGGAC[C>T]TGCAACCCTTTCTGTAGAAACTCAGCATTCTGAGTAGTAACAAGGATTAACCTTGTGCAC-3'